The following is an entry in ClinVar:

NM_000268.4(NF2):c.634C>T (p.Gln212Ter)

Gene: NF2 (NF2, moesin-ezrin-radixin like (MERLIN) tumor suppressor; plus strand). Cytogenetic location: 22q12.2.
Variant type: single nucleotide variant.
Coding change: c.634C>T on transcript NM_000268.4 (MANE Select); coding-DNA position 634, C replaced by T.
Protein change: p.Gln212Ter; replaces glutamine 212 with a stop codon.
Molecular consequence: nonsense. On other transcripts: non-coding transcript variant (1), intron variant (1).
Genome position (GRCh38, 1-based): chr22:29,658,223, C>T. VCF-style: chr22-29658223-C-T. GRCh37 (hg19) VCF-style: chr22-30054212-C-T.
Other names: c.634C>T, p.Gln212Ter (NM_016418.5, NM_181825.3, NM_181832.3); c.508C>T, p.Gln170Ter (NM_181828.3); c.511C>T, p.Gln171Ter (NM_181829.3); c.385C>T, p.Gln129Ter (NM_181830.3, NM_181831.3); c.447+15938C>T (NM_181833.3); short protein forms Q129*, Q212*, Q170*, Q171*.
Identifiers: ClinVar variation 1454214 (VCV001454214.6), dbSNP rs2146989887, ClinGen allele CA411143042.

ClinVar aggregate classification (germline): Pathogenic. Review status: criteria provided, multiple submitters, no conflicts (2 of 4 stars). 2 submissions from 2 submitters: Pathogenic (2). Last evaluated 2023-03-09.

Conditions:
Neurofibromatosis, type 2 (SWNV). Also called: BILATERAL ACOUSTIC NEUROFIBROMATOSIS; SCHWANNOMATOSIS, VESTIBULAR; NF2-Related Schwannomatosis. Identifiers: Orphanet 637, MedGen C0027832, MONDO:0007039, OMIM 101000. Disease mechanism: loss of function.

Submissions (2):

Institute for Genomic Medicine (IGM) Clinical Laboratory, Nationwide Children's Hospital
Classification: Pathogenic for Neurofibromatosis, type 2. Last evaluated: 2023-03-09. Review status: criteria provided, single submitter. Criteria: ACMG Guidelines, 2015. Collection method: clinical testing. Allele origin: germline.
Comment: This variant is predicted to result in loss of function through nonsense-mediated decay of the encoded transcript or premature truncation of the encoded protein in a gene in which loss of function is a known mechanism of disease (ACMG/AMP: PVS1; PMIDs:19545378, 9643284, 19968670, 21278391, 35570314). This variant has been reported at an elevated frequency in affected individuals/in multiple affected individuals in the literature (ACMG/AMP: PS4_Supporting; PMID:33067351). This variant is absent from or present at an exceedingly low frequency in gnomAD, a large-scale control population database (ACMG/AMP: PM2).

Labcorp Genetics (formerly Invitae), Labcorp
Classification: Pathogenic for Neurofibromatosis, type 2. Last evaluated: 2023-01-18. Review status: criteria provided, single submitter. Criteria: Invitae Variant Classification Sherloc (09022015). Collection method: clinical testing. Allele origin: germline.
Comment: ClinVar contains an entry for this variant (Variation ID: 1454214). This premature translational stop signal has been observed in individual(s) with Neurofibromatosis, type 2 (PMID: 32724039, 33067351). This variant is not present in population databases (gnomAD no frequency). This sequence change creates a premature translational stop signal (p.Gln212*) in the NF2 gene. It is expected to result in an absent or disrupted protein product. Loss-of-function variants in NF2 are known to be pathogenic (PMID: 9643284, 16983642). For these reasons, this variant has been classified as Pathogenic.

Literature cited by the submitters: PubMed 19545378 (cited by Institute for Genomic Medicine (IGM) Clinical Laboratory, Nationwide Children's Hospital); PubMed 9643284 (cited by Institute for Genomic Medicine (IGM) Clinical Laboratory, Nationwide Children's Hospital and Labcorp Genetics (formerly Invitae), Labcorp); PubMed 19968670 (cited by Institute for Genomic Medicine (IGM) Clinical Laboratory, Nationwide Children's Hospital); PubMed 21278391 (cited by Institute for Genomic Medicine (IGM) Clinical Laboratory, Nationwide Children's Hospital); PubMed 35570314 (cited by Institute for Genomic Medicine (IGM) Clinical Laboratory, Nationwide Children's Hospital); PubMed 33067351 (cited by Institute for Genomic Medicine (IGM) Clinical Laboratory, Nationwide Children's Hospital and Labcorp Genetics (formerly Invitae), Labcorp); PubMed 32724039 (cited by Labcorp Genetics (formerly Invitae), Labcorp); PubMed 16983642 (cited by Labcorp Genetics (formerly Invitae), Labcorp).